The following is an entry in ClinVar:

ClinVar aggregate classification (germline): Uncertain significance (1 of 4 stars; one submission).

Conditions:
Cardiovascular phenotype. Identifiers: MedGen CN230736.

gnomAD v4.1: 3 of 1,614,188 alleles (0.00019%); highest among the groups gnomAD compares: Middle Eastern, 0.016%; no homozygotes.

Submission:

Ambry Genetics
Classification: Uncertain significance for Cardiovascular phenotype. Last evaluated: 2026-05-23. Review status: criteria provided, single submitter. Criteria: Ambry Variant Classification Scheme 2023. Collection method: clinical testing. Allele origin: germline.
Comment: The p.H59R variant (also known as c.176A>G), located in coding exon 2 of the TBX5 gene, results from an A to G substitution at nucleotide position 176. The histidine at codon 59 is replaced by arginine, an amino acid with highly similar properties. This amino acid position is conserved. In addition, the in silico prediction for this alteration is inconclusive. Based on the available evidence, the clinical significance of this variant remains unclear.

NM_181486.4(TBX5):c.176A>G (p.His59Arg)

Gene: TBX5 (T-box transcription factor 5; minus strand). Cytogenetic location: 12q24.21.
Variant type: single nucleotide variant.
Coding change: c.176A>G on transcript NM_181486.4 (MANE Select); coding-DNA position 176, A replaced by G.
Protein change: p.His59Arg; replaces histidine 59 with arginine.
Molecular consequence: missense variant.
Genome position (GRCh38, 1-based): chr12:114,401,892, T>C on the plus strand (A>G on the coding strand, the complement: TBX5 is on the minus strand). VCF-style: chr12-114401892-T-C. GRCh37 (hg19) VCF-style: chr12-114839697-T-C.
Other names: c.176A>G, p.His59Arg (NM_000192.3); c.26A>G, p.His9Arg (NM_080717.4); short protein forms H59R, H9R.
Identifiers: ClinVar variation 4865361 (VCV004865361.1).
Genomic context (GRCh38, chr12:114,401,892, plus strand): 5'-GCCTTGGTTATGATCATTTCCGTGCCCACTTCGTGGAATTTTAGCCACAGTTCTCTTTCA[T>C]GGAGAAACACTTTGATTCCCTCCATGCCCTGCAAGAAGGAGAAAAAAGTCACACTAACAA-3'
Protein context (NP_852259.1, residues 49-69): QGMEGIKVFL[His59Arg]ERELWLKFHE